The following is an entry in ClinVar:

ClinVar aggregate classification (germline): Uncertain significance (1 of 4 stars; one submission).

gnomAD v4.1: 3 of 1,614,100 alleles (0.00019%); highest among the groups gnomAD compares: African/African-American, 0.004%; no homozygotes.

Submission:

Women's Health and Genetics/Laboratory Corporation of America, LabCorp
Classification: Uncertain significance. Last evaluated: 2024-05-06. Review status: criteria provided, single submitter. Criteria: LabCorp Variant Classification Summary - May 2015. Collection method: clinical testing. Allele origin: germline.
Comment: Variant summary: MFN2 c.1204A>C (p.Lys402Gln) results in a conservative amino acid change in the encoded protein sequence. Five of five in-silico tools predict a benign effect of the variant on protein function. The variant allele was found at a frequency of 4e-06 in 251492 control chromosomes. The available data on variant occurrences in the general population are insufficient to allow any conclusion about variant significance. To our knowledge, no occurrence of c.1204A>C in individuals affected with Charcot-Marie Disease, Axonal, Autosomal Recessive, Type 2a2b and no experimental evidence demonstrating its impact on protein function have been reported. No submitters have cited clinical-significance assessments for this variant to ClinVar. Based on the evidence outlined above, the variant was classified as uncertain significance.

NM_014874.4(MFN2):c.1204A>C (p.Lys402Gln)

Gene: MFN2 (mitofusin 2; plus strand). Cytogenetic location: 1p36.22.
Variant type: single nucleotide variant.
Coding change: c.1204A>C on transcript NM_014874.4 (MANE Select); coding-DNA position 1204, A replaced by C.
Protein change: p.Lys402Gln; replaces lysine 402 with glutamine.
Molecular consequence: missense variant.
Genome position (GRCh38, 1-based): chr1:12,004,035, A>C. VCF-style: chr1-12004035-A-C. GRCh37 (hg19) VCF-style: chr1-12064092-A-C.
Other names: c.1204A>C, p.Lys402Gln (NM_001127660.2); short protein forms K402Q.
Identifiers: ClinVar variation 3336155 (VCV003336155.1).